The following is an entry in ClinVar:

ClinVar aggregate classification (germline): Uncertain significance. Review status: criteria provided, multiple submitters, no conflicts (2 of 4 stars). 2 submissions from 2 submitters: Uncertain significance (2). Last evaluated 2026-08-02.

Conditions:
NOVA2-related disorder. Also called: NOVA2-related condition.

Submissions (2):

PreventionGenetics, part of Exact Sciences
Classification: Uncertain significance for NOVA2-related condition. Last evaluated: 2026-08-02. Review status: criteria provided, single submitter. Criteria: ACMG Guidelines, 2015. Collection method: clinical testing. Allele origin: germline.
Comment: The NOVA2 c.886C>G variant is predicted to result in the amino acid substitution p.Leu296Val. To our knowledge, this variant has not been reported in the literature or in a large population database (gnomAD), indicating this variant is rare. At this time, the clinical significance of this variant is uncertain due to the absence of conclusive functional and genetic evidence.

Women's Health and Genetics/Laboratory Corporation of America, LabCorp
Classification: Uncertain significance. Last evaluated: 2024-10-31. Review status: criteria provided, single submitter. Criteria: LabCorp Variant Classification Summary - May 2015. Collection method: clinical testing. Allele origin: germline.
Comment: Variant summary: NOVA2 c.886C>G (p.Leu296Val) results in a conservative amino acid change in the encoded protein sequence. Three of five in-silico tools predict a benign effect of the variant on protein function. The frequency data for this variant in gnomAD is considered unreliable, as metrics indicate poor data quality at this position. To our knowledge, no occurrence of c.886C>G in individuals affected with Neurodevelopmental Disorder With Or Without Autistic Features And/or Structural Brain Abnormalities and no experimental evidence demonstrating its impact on protein function have been reported. No submitters have cited clinical-significance assessments for this variant to ClinVar. Based on the evidence outlined above, the variant was classified as uncertain significance.

NM_002516.4(NOVA2):c.886C>G (p.Leu296Val)

Gene: NOVA2 (NOVA alternative splicing regulator 2; minus strand). Cytogenetic location: 19q13.32.
Variant type: single nucleotide variant.
Coding change: c.886C>G on transcript NM_002516.4 (MANE Select); coding-DNA position 886, C replaced by G.
Protein change: p.Leu296Val; replaces leucine 296 with valine.
Molecular consequence: missense variant.
Genome position (GRCh38, 1-based): chr19:45,940,456, G>C on the plus strand (C>G on the coding strand, the complement: NOVA2 is on the minus strand). VCF-style: chr19-45940456-G-C. GRCh37 (hg19) VCF-style: chr19-46443714-G-C.
Other names: c.886C>G (NM_002516.3); short protein forms L296V.
Identifiers: ClinVar variation 3385059 (VCV003385059.2).